The following is an entry in ClinVar:

NM_080473.5(GATA5):c.211G>C (p.Asp71His)

Gene: GATA5 (GATA binding protein 5; minus strand). Cytogenetic location: 20q13.33.
Variant type: single nucleotide variant.
Coding change: c.211G>C on transcript NM_080473.5 (MANE Select); coding-DNA position 211, G replaced by C.
Protein change: p.Asp71His; replaces aspartic acid 71 with histidine.
Molecular consequence: missense variant.
Genome position (GRCh38, 1-based): chr20:62,475,311, C>G on the plus strand (G>C on the coding strand, the complement: GATA5 is on the minus strand). VCF-style: chr20-62475311-C-G. GRCh37 (hg19) VCF-style: chr20-61050367-C-G.
Other names: short protein forms D71H.
Identifiers: ClinVar variation 3683401 (VCV003683401.2).

ClinVar aggregate classification (germline): Uncertain significance (1 of 4 stars; one submission).

Submission:

Labcorp Genetics (formerly Invitae), Labcorp
Classification: Uncertain significance. Last evaluated: 2024-03-15. Review status: criteria provided, single submitter. Criteria: Invitae Variant Classification Sherloc (09022015). Collection method: clinical testing. Allele origin: germline.
Comment: This sequence change replaces aspartic acid, which is acidic and polar, with histidine, which is basic and polar, at codon 71 of the GATA5 protein (p.Asp71His). This variant is not present in population databases (gnomAD no frequency). This variant has not been reported in the literature in individuals affected with GATA5-related conditions. Advanced modeling of protein sequence and biophysical properties (such as structural, functional, and spatial information, amino acid conservation, physicochemical variation, residue mobility, and thermodynamic stability) performed at Invitae indicates that this missense variant is not expected to disrupt GATA5 protein function with a negative predictive value of 80%. In summary, the available evidence is currently insufficient to determine the role of this variant in disease. Therefore, it has been classified as a Variant of Uncertain Significance.